The following is an entry in ClinVar:

NM_001257096.2(PAX1):c.890G>A (p.Gly297Asp)

Gene: PAX1 (paired box 1; plus strand). Cytogenetic location: 20p11.22.
Variant type: single nucleotide variant.
Coding change: c.890G>A on transcript NM_001257096.2 (MANE Select); coding-DNA position 890, G replaced by A.
Protein change: p.Gly297Asp; replaces glycine 297 with aspartic acid.
Molecular consequence: missense variant.
Genome position (GRCh38, 1-based): chr20:21,707,041, G>A. VCF-style: chr20-21707041-G-A. GRCh37 (hg19) VCF-style: chr20-21687679-G-A.
Other names: c.890G>A, p.Gly297Asp (NM_006192.5); c.890G>A (NM_006192.3); short protein forms G297D.
Identifiers: ClinVar variation 1368915 (VCV001368915.8), dbSNP rs147752664, ClinGen allele CA9786589.

ClinVar aggregate classification (germline): Uncertain significance. Review status: criteria provided, multiple submitters, no conflicts (2 of 4 stars). 3 submissions from 3 submitters: Uncertain significance (3). Last evaluated 2026-07-23.

Conditions:
Inborn genetic diseases. Identifiers: MedGen C0950123, MeSH D030342.

Allele frequency attached by ClinVar (database versions not stated): ESP Exome Variant Server 0.00023; gnomAD exomes 0.00004; gnomAD 0.00017 and 0.00018; TOPMed 0.00025; ExAC 0.00004.
gnomAD v4.1: 64 of 1,613,076 alleles (0.004%); highest among the groups gnomAD compares: African/African-American, 0.06%; no homozygotes.

Submissions (3):

Ambry Genetics
Classification: Uncertain significance for Inborn genetic diseases. Last evaluated: 2026-07-23. Review status: criteria provided, single submitter. Criteria: Ambry Variant Classification Scheme 2023. Collection method: clinical testing. Allele origin: germline.
Comment: The c.890G>A (p.G297D) alteration is located in exon 2 (coding exon 2) of the PAX1 gene. This alteration results from a G to A substitution at nucleotide position 890, causing the glycine (G) at amino acid position 297 to be replaced by an aspartic acid (D). Based on data from gnomAD, the A allele has an overall frequency of 0.005% (15/277848) total alleles studied. The highest observed frequency was 0.055% (13/23752) of African alleles. Based on insufficient or conflicting evidence, the clinical significance of this alteration remains unclear.

Labcorp Genetics (formerly Invitae), Labcorp
Classification: Uncertain significance. Last evaluated: 2024-11-18. Review status: criteria provided, single submitter. Criteria: Invitae Variant Classification Sherloc (09022015). Collection method: clinical testing. Allele origin: germline.
Comment: This sequence change replaces glycine, which is neutral and non-polar, with aspartic acid, which is acidic and polar, at codon 297 of the PAX1 protein (p.Gly297Asp). This variant is present in population databases (rs147752664, gnomAD 0.05%). This variant has not been reported in the literature in individuals affected with PAX1-related conditions. ClinVar contains an entry for this variant (Variation ID: 1368915). Invitae Evidence Modeling of protein sequence and biophysical properties (such as structural, functional, and spatial information, amino acid conservation, physicochemical variation, residue mobility, and thermodynamic stability) indicates that this missense variant is not expected to disrupt PAX1 protein function with a negative predictive value of 80%. In summary, the available evidence is currently insufficient to determine the role of this variant in disease. Therefore, it has been classified as a Variant of Uncertain Significance.

Blueprint Genetics
Classification: Uncertain significance. Last evaluated: 2022-10-05. Review status: criteria provided, single submitter. Criteria: ACMG Guidelines, 2015. Collection method: clinical testing. Allele origin: germline.